The following is an entry in ClinVar:

ClinVar aggregate classification (germline): Uncertain significance. Review status: criteria provided, multiple submitters, no conflicts (2 of 4 stars). 2 submissions from 2 submitters: Uncertain significance (2). Last evaluated 2024-07-17.

Conditions:
Inborn genetic diseases. Identifiers: MedGen C0950123, MeSH D030342.

Allele frequency attached by ClinVar (database versions not stated): gnomAD 0.00001; TOPMed 0.00002; ExAC 0.00004; gnomAD exomes 0.00004.
gnomAD v4.1: 15 of 1,613,592 alleles (0.00093%); highest among the groups gnomAD compares: Admixed American, 0.025%; no homozygotes.

Submissions (2):

Ambry Genetics
Classification: Uncertain significance for Inborn genetic diseases. Last evaluated: 2024-07-17. Review status: criteria provided, single submitter. Criteria: Ambry Variant Classification Scheme 2023. Collection method: clinical testing. Allele origin: germline.

Labcorp Genetics (formerly Invitae), Labcorp
Classification: Uncertain significance. Last evaluated: 2022-03-09. Review status: criteria provided, single submitter. Criteria: Invitae Variant Classification Sherloc (09022015). Collection method: clinical testing. Allele origin: germline.
Comment: This sequence change replaces proline, which is neutral and non-polar, with arginine, which is basic and polar, at codon 218 of the TBCD protein (p.Pro218Arg). This variant is present in population databases (rs779456572, gnomAD 0.03%). This variant has not been reported in the literature in individuals affected with TBCD-related conditions. Algorithms developed to predict the effect of missense changes on protein structure and function are either unavailable or do not agree on the potential impact of this missense change (SIFT: "Tolerated"; PolyPhen-2: "Probably Damaging"; Align-GVGD: "Class C0"). In summary, the available evidence is currently insufficient to determine the role of this variant in disease. Therefore, it has been classified as a Variant of Uncertain Significance.

NM_005993.5(TBCD):c.653C>G (p.Pro218Arg)

Gene: TBCD (tubulin folding cofactor D). Cytogenetic location: 17q25.3.
Variant type: single nucleotide variant.
Coding change: c.653C>G on transcript NM_005993.5 (MANE Select); coding-DNA position 653, C replaced by G.
Protein change: p.Pro218Arg; replaces proline 218 with arginine.
Molecular consequence: missense variant.
Genome position (GRCh38, 1-based): chr17:82,781,603, C>G. VCF-style: chr17-82781603-C-G. GRCh37 (hg19) VCF-style: chr17-80739479-C-G.
Other names: c.653C>G (NM_005993.4); short protein forms P218R.
Identifiers: ClinVar variation 1476746 (VCV001476746.4), dbSNP rs779456572, ClinGen allele CA8861709.
Genomic context (GRCh38, chr17:82,781,603, plus strand): 5'-GAGGTCTCAGTGCTGAGGCCTTGGTTGAGCTGTATCCTTTTGGCAGATTTATCACACGTC[C>G]TGATGTCAAGCAAAGCAAGATGGCTGAGTTCCTGGACTGGAGCCTGTGCAATCTGGCCCG-3'
Protein context (NP_005984.3, residues 208-228): AVLVSRFITR[Pro218Arg]DVKQSKMAEF